The following is an entry in ClinVar:

ClinVar aggregate classification (germline): Uncertain significance. Review status: criteria provided, multiple submitters, no conflicts (2 of 4 stars). 5 submissions from 5 submitters: Uncertain significance (5). Last evaluated 2026-03-12.

Conditions:
Hereditary cancer-predisposing syndrome. Also called: Tumor predisposition; Hereditary Cancer Syndrome; Neoplastic Syndromes, Hereditary; Hereditary neoplastic syndrome. Identifiers: Orphanet 140162, MedGen C0027672, MeSH D009386, MONDO:0015356.
Familial cancer of breast. Also called: Hereditary breast cancer; BREAST CANCER, FAMILIAL; hereditary breast carcinoma. Identifiers: Orphanet 227535, MedGen C0346153, MONDO:0016419, OMIM 114480. Disease mechanism: loss of function.

Allele frequency attached by ClinVar (database versions not stated): ExAC 0.00009; gnomAD exomes 0.00002 and 0.00006.
gnomAD v4.1: 31 of 1,614,236 alleles (0.0019%); highest among the groups gnomAD compares: South Asian, 0.033%; no homozygotes.

Submissions (5):

Ambry Genetics
Classification: Uncertain significance for Hereditary cancer-predisposing syndrome. Last evaluated: 2026-03-12. Review status: criteria provided, single submitter. Criteria: Ambry Variant Classification Scheme 2023. Collection method: clinical testing. Allele origin: germline.

Color Diagnostics, LLC DBA Color Health
Classification: Uncertain significance for Hereditary cancer-predisposing syndrome. Last evaluated: 2025-01-13. Review status: criteria provided, single submitter. Criteria: ACMG Guidelines, 2015. Collection method: clinical testing. Allele origin: germline.
Comment: This missense variant replaces serine with phenylalanine at codon 728 of the BARD1 protein. Computational prediction tools and conservation analyses suggest that this variant may have deleterious impact on the protein function. To our knowledge, functional assays have not been performed for this variant. This variant has been reported in an individual affected with breast cancer (PMID: 26976419). This variant has been identified in 15/251340 chromosomes in the general population by the Genome Aggregation Database (gnomAD). Available evidence is insufficient to determine the role of this variant in disease conclusively. Therefore, this variant is classified as a Variant of Uncertain Significance.

Labcorp Genetics (formerly Invitae), Labcorp
Classification: Uncertain significance for Familial cancer of breast. Last evaluated: 2024-12-26. Review status: criteria provided, single submitter. Criteria: Invitae Variant Classification Sherloc (09022015). Collection method: clinical testing. Allele origin: germline.
Comment: This sequence change replaces serine, which is neutral and polar, with phenylalanine, which is neutral and non-polar, at codon 728 of the BARD1 protein (p.Ser728Phe). This variant is present in population databases (rs13389423, gnomAD 0.05%), and has an allele count higher than expected for a pathogenic variant. This missense change has been observed in individual(s) with breast cancer (PMID: 26976419). ClinVar contains an entry for this variant (Variation ID: 479142). An algorithm developed to predict the effect of missense changes on protein structure and function (PolyPhen-2) suggests that this variant is likely to be disruptive. In summary, the available evidence is currently insufficient to determine the role of this variant in disease. Therefore, it has been classified as a Variant of Uncertain Significance.

KCCC/NGS Laboratory, Kuwait Cancer Control Center
Classification: Uncertain significance for Familial cancer of breast. Last evaluated: 2024-07-31. Review status: criteria provided, single submitter. Criteria: ACMG Guidelines, 2015. Collection method: clinical testing. Allele origin: germline. Inheritance: Autosomal dominant inheritance. Affected: yes. Observed: 1 heterozygote.
Comment: This sequence change replaces serine, which is neutral and polar, with phenylalanine, which is neutral and non-polar, at codon 728 of the BARD1 protein (p.Ser728Phe).This amino acid position is highly conserved This variant is present in population databases (rs13389423, gnomAD 0.05%), and has an allele count higher than expected for a pathogenic variant. This missense change has been observed in individual(s) with breast cancer (PMID: 26976419). ClinVar contains an entry for this variant (Variation ID: 479142). In addition, this alteration is predicted to be deleterious by in silico analysis. Since supporting evidence is limited at this time, the clinical significance of this alteration remains unclear. . In summary, the available evidence is currently insufficient to determine the role of this variant in disease. Therefore, it has been classified as a Variant of Uncertain Significance.

Neuberg Centre For Genomic Medicine, NCGM
Classification: Uncertain significance for Familial cancer of breast. Review status: criteria provided, single submitter. Criteria: ACMG Guidelines, 2015. Collection method: clinical testing. Allele origin: germline. Affected: yes.
Comment: The missense variant p.S728F in BARD1 (NM_000465.4) has been previously reported as a variant of uncertain significance in an individual with breast cancer (Tung J et al). The missense variant c.2183C>T (p.S728F) in BARD1 (NM_000465.4) is observed in 15/30616 (0.049%) alleles from individuals of South Asian background in the gnomAD dataset (Exome Aggregation Consortium et al., 2016), but was not seen in the homozygous state.The p.S728F missense variant is predicted to be damaging by both SIFT and PolyPhen2. The serine residue at codon 728 of BARD1 is conserved in all mammalian species. The nucleotide c.2183 in BARD1 is predicted conserved by GERP++ and PhyloP across 100 vertebrates. For these reasons, this variant has been classified as Uncertain Significance.

Literature cited by the submitters: PubMed 26976419 (cited by Color Diagnostics, LLC DBA Color Health and Labcorp Genetics (formerly Invitae), Labcorp).

NM_000465.4(BARD1):c.2183C>T (p.Ser728Phe)

Gene: BARD1 (BRCA1 associated RING domain 1; minus strand). Cytogenetic location: 2q35.
Variant type: single nucleotide variant.
Coding change: c.2183C>T on transcript NM_000465.4 (MANE Select); coding-DNA position 2183, C replaced by T.
Protein change: p.Ser728Phe; replaces serine 728 with phenylalanine.
Molecular consequence: missense variant. On other transcripts: non-coding transcript variant (3).
Genome position (GRCh38, 1-based): chr2:214,728,827, G>A on the plus strand (C>T on the coding strand, the complement: BARD1 is on the minus strand). VCF-style: chr2-214728827-G-A. GRCh37 (hg19) VCF-style: chr2-215593551-G-A.
Other names: c.2126C>T, p.Ser709Phe (NM_001282543.2); c.830C>T, p.Ser277Phe (NM_001282545.2); c.773C>T, p.Ser258Phe (NM_001282548.2); c.644C>T, p.Ser215Phe (NM_001282549.2); c.[2183C>T] (NM_000465.3); short protein forms S728F, S215F, S258F, S277F, S709F.
Identifiers: ClinVar variation 479142 (VCV000479142.22), dbSNP rs13389423, ClinGen allele CA2090065.
Genomic context (GRCh38, chr2:214,728,827, plus strand): 5'-TCTGGGTGATAATTACACAAATCTTCATAGATGATATACTGTGTGCAGAAGCGCTGATCA[G>A]AATCGGGTCTCGCATGGTATGCGACTGTATTGATGGTCTGAGTCACGTCACTGTCTGGCT-3'
Protein context (NP_000456.2, residues 718-738): NTVAYHARPD[Ser728Phe]DQRFCTQYII